The following is an entry in ClinVar:

ClinVar aggregate classification (germline): Uncertain significance (1 of 4 stars; one submission).

Submission:

Labcorp Genetics (formerly Invitae), Labcorp
Classification: Uncertain significance. Last evaluated: 2025-11-08. Review status: criteria provided, single submitter. Criteria: Invitae Variant Classification Sherloc (09022015). Collection method: clinical testing. Allele origin: germline.
Comment: This sequence change creates a premature translational stop signal (p.Glu1219Alafs*49) in the MYH7B gene. It is expected to result in an absent or disrupted protein product. However, the current clinical and genetic evidence is not sufficient to establish whether loss-of-function variants in MYH7B cause disease. This variant is not present in population databases (gnomAD no frequency). This variant has not been reported in the literature in individuals affected with MYH7B-related conditions. ClinVar contains an entry for this variant (Variation ID: 2787565). In summary, the available evidence is currently insufficient to determine the role of this variant in disease. Therefore, it has been classified as a Variant of Uncertain Significance.

NM_020884.7(MYH7B):c.3528_3541del (p.Glu1177fs)

Gene: MYH7B (myosin heavy chain 7B; plus strand). Cytogenetic location: 20q11.22.
Variant type: Deletion.
Coding change: c.3528_3541del on transcript NM_020884.7 (MANE Select); coding-DNA positions 3528 to 3541, 14 bases deleted (GGAGCTGGGGAGGC).
Protein change: p.Glu1177fs; shifts the reading frame from glutamic acid 1177.
Molecular consequence: frameshift variant.
Genome position (GRCh38, 1-based): chr20:34,997,421-34,997,434, GGAGCTGGGGAGGC deleted; deleting any 14 consecutive bases within chr20:34,997,414-34,997,434 gives the same sequence; the c. name uses the placement nearest the transcript's 3' end. VCF-style (leftmost placement, unchanged base first): chr20-34997413-CGGGAGGCGGAGCTG-C. GRCh37 (hg19) VCF-style: chr20-33585216-CGGGAGGCGGAGCTG-C.
Other names: short protein forms E1177fs.
Identifiers: ClinVar variation 2787565 (VCV002787565.3), dbSNP rs1212914598, ClinGen allele CA743890482.
Genomic context (GRCh38, chr20:34,997,413, plus strand): 5'-AGCGAGCGGCTGGAGGAGGCAGGCGGCGCATCCGCGGGGCAGCGCGAGGGCTGCCGCAAG[CGGGAGGCGGAGCTG>C]GGGAGGCTGCGGCGGGAGCTGGAGGAGGCGGCGCTGCGGCACGAGGCCACAGTGGCGGCA-3'